The following is an entry in ClinVar:

NM_005188.4(CBL):c.2009C>G (p.Ala670Gly)

Gene: CBL (Cbl proto-oncogene; plus strand). Cytogenetic location: 11q23.3.
Variant type: single nucleotide variant.
Coding change: c.2009C>G on transcript NM_005188.4 (MANE Select); coding-DNA position 2009, C replaced by G.
Protein change: p.Ala670Gly; replaces alanine 670 with glycine.
Molecular consequence: missense variant.
Genome position (GRCh38, 1-based): chr11:119,287,919, C>G. VCF-style: chr11-119287919-C-G. GRCh37 (hg19) VCF-style: chr11-119158629-C-G.
Other names: short protein forms A670G.
Identifiers: ClinVar variation 4613855 (VCV004613855.1).

ClinVar aggregate classification (germline): Uncertain significance (1 of 4 stars; one submission).

Conditions:
Cardiovascular phenotype. Identifiers: MedGen CN230736.

Submission:

Ambry Genetics
Classification: Uncertain significance for Cardiovascular phenotype. Last evaluated: 2025-11-02. Review status: criteria provided, single submitter. Criteria: Ambry Variant Classification Scheme 2023. Collection method: clinical testing. Allele origin: germline.
Comment: The p.A670G variant (also known as c.2009C>G), located in coding exon 12 of the CBL gene, results from a C to G substitution at nucleotide position 2009. The alanine at codon 670 is replaced by glycine, an amino acid with similar properties. This amino acid position is conserved. In addition, the in silico prediction for this alteration is inconclusive. Based on the available evidence, the clinical significance of this variant remains unclear.